The following is an entry in ClinVar:

ClinVar aggregate classification (germline): Uncertain significance (1 of 4 stars; one submission).

Allele frequency attached by ClinVar (database versions not stated): gnomAD 0.00004; TOPMed 0.00004; ExAC 0.00005; gnomAD exomes 0.00005.
gnomAD v4.1: 76 of 1,613,816 alleles (0.0047%); highest among the groups gnomAD compares: Middle Eastern, 0.033%; no homozygotes.

Submission:

Labcorp Genetics (formerly Invitae), Labcorp
Classification: Uncertain significance. Last evaluated: 2022-06-21. Review status: criteria provided, single submitter. Criteria: Invitae Variant Classification Sherloc (09022015). Collection method: clinical testing. Allele origin: germline.
Comment: This sequence change replaces serine, which is neutral and polar, with glycine, which is neutral and non-polar, at codon 170 of the C10orf11 protein (p.Ser170Gly). This variant is present in population databases (rs763696041, gnomAD 0.02%). This variant has not been reported in the literature in individuals affected with C10orf11-related conditions. Algorithms developed to predict the effect of missense changes on protein structure and function (SIFT, PolyPhen-2, Align-GVGD) all suggest that this variant is likely to be tolerated. In summary, the available evidence is currently insufficient to determine the role of this variant in disease. Therefore, it has been classified as a Variant of Uncertain Significance.

NM_001305581.2(LRMDA):c.592A>G (p.Ser198Gly)

Gene: LRMDA (leucine rich melanocyte differentiation associated; plus strand). Cytogenetic location: 10q22.3.
Variant type: single nucleotide variant.
Coding change: c.592A>G on transcript NM_001305581.2 (MANE Select); coding-DNA position 592, A replaced by G.
Protein change: p.Ser198Gly; replaces serine 198 with glycine.
Molecular consequence: missense variant. On other transcripts: non-coding transcript variant (1).
Genome position (GRCh38, 1-based): chr10:76,324,476, A>G. VCF-style: chr10-76324476-A-G. GRCh37 (hg19) VCF-style: chr10-78084234-A-G.
Other names: c.508A>G, p.Ser170Gly (NM_032024.5); short protein forms S170G, S198G.
Identifiers: ClinVar variation 2418961 (VCV002418961.3), dbSNP rs763696041, ClinGen allele CA5567671.
Genomic context (GRCh38, chr10:76,324,476, plus strand): 5'-GTTGCCAGCTCCCCGGAGCGCCACTACACGCCCTTGCCTTCTGCTTCCAGGGAACTCACC[A>G]GTCACCAAGGTTGGAACTCAGCTTTTTATTGCTCTCAGTGGGTGCAGGGAGGGACACTTG-3'
Protein context (NP_001292510.1, residues 188-208): PLPSASRELT[Ser198Gly]HQGVLGKCRY